The following is an entry in ClinVar:

NM_000202.8(IDS):c.695dup (p.Arg233fs)

Genes: IDS (iduronate 2-sulfatase; minus strand), LOC106050102 (IDS recombination region; plus strand). Cytogenetic location: Xq28.
Variant type: Duplication.
Coding change: c.695dup on transcript NM_000202.8 (MANE Select); coding-DNA position 695, one base duplicated (T; older notation c.695dupT).
Protein change: p.Arg233fs; shifts the reading frame from arginine 233.
Molecular consequence: frameshift variant. On other transcripts: non-coding transcript variant (1).
Genome position (GRCh38, 1-based): chrX:149,498,120, A duplicated on the plus strand (T on the coding strand, the reverse complement: IDS is on the minus strand); the first of 2 consecutive A bases (chrX:149,498,120-149,498,121); duplicating either gives the same sequence. VCF-style (leftmost placement, unchanged base first): chrX-149498119-G-GA. GRCh37 (hg19) VCF-style: chrX-148579650-G-GA.
Other names: c.425dup, p.Arg143fs (NM_001166550.4); c.695dup, p.Arg233fs (NM_006123.5); short protein forms R143fs, R233fs.
Identifiers: ClinVar variation 1726169 (VCV001726169.2), dbSNP rs2520862364, ClinGen allele CA2580101619.
Genomic context (GRCh38, chrX:149,498,119, plus strand): 5'-ACACAGCTGTCACAGCTGTGCTGGATCAGCCCTCAACCAGCTCTTCACCTTGGGGTATCT[G>GA]AAGGGGATGTGTGGCTTATGATACCCAACGGCCAGGAAGAAAGGACTGGCTGACGTTTTC-3'

ClinVar aggregate classification (germline): Likely pathogenic (1 of 4 stars; one submission).

Conditions:
Mucopolysaccharidosis, MPS-II (MPS2). Also called: Mucopolysaccharidosis type 2; IDS deficiency; Sulfoiduronate sulfatase deficiency; SIDS deficiency; Attenuated MPS (subtype; formerly known as mild MPS II); Severe MPS II. Identifiers: Orphanet 580, Orphanet 79388, MedGen C0026705, MONDO:0010674, OMIM 309900.

Submission:

Myriad Genetics, Inc.
Classification: Likely pathogenic for Mucopolysaccharidosis, MPS-II. Last evaluated: 2022-05-18. Review status: criteria provided, single submitter. Criteria: Myriad Women's Health Autosomal Recessive and X-Linked Classification Criteria (2021). Collection method: clinical testing. Allele origin: unknown.
Comment: NM_000202.5(IDS):c.695dupT(R233Qfs*25) is expected to be pathogenic in the context of mucopolysaccharidosis type II. This variant is predicted to lead to an abnormal or absent protein product due to the creation of a premature termination codon in IDS, a gene where loss-of-function variants are known to be pathogenic. Please note: this variant was assessed in the context of healthy population screening.